The following is an entry in ClinVar:

ClinVar aggregate classification (germline): Likely benign. Review status: criteria provided, multiple submitters, no conflicts (2 of 4 stars). 2 submissions from 2 submitters: Likely benign (2). Last evaluated 2025-03-18.

Conditions:
Microcephaly, normal intelligence and immunodeficiency (NBS). Also called: Microcephaly with normal intelligence immunodeficiency and lymphoreticular malignancies; Nonsyndromal microcephaly autosomal recessive with normal intelligence; Seemanova syndrome 2; Ataxia telangiectasia variant V1; BERLIN BREAKAGE SYNDROME; Immunodeficiency, microcephaly with normal intelligence. Identifiers: Orphanet 647, MedGen C0398791, MONDO:0009623, OMIM 251260.

Allele frequency attached by ClinVar (database versions not stated): gnomAD exomes below 0.00001; TOPMed below 0.00001.
gnomAD v4.1: 1 of 1,586,842 alleles (0.000063%); highest among the groups gnomAD compares: South Asian, 0.0011%; no homozygotes.

Submissions (2):

Labcorp Genetics (formerly Invitae), Labcorp
Classification: Likely benign for Microcephaly, normal intelligence and immunodeficiency. Last evaluated: 2025-03-18. Review status: criteria provided, single submitter. Criteria: Invitae Variant Classification Sherloc (09022015). Collection method: clinical testing. Allele origin: germline.

GeneDx
Classification: Likely benign. Last evaluated: 2017-01-16. Review status: criteria provided, single submitter. Criteria: GeneDx Variant Classification (06012015). Collection method: clinical testing. Allele origin: germline. Affected: yes.
Comment: This variant is considered likely benign or benign based on one or more of the following criteria: it is a conservative change, it occurs at a poorly conserved position in the protein, it is predicted to be benign by multiple in silico algorithms, and/or has population frequency not consistent with disease.

NM_002485.5(NBN):c.2234+17C>T

Gene: NBN (nibrin; minus strand). Cytogenetic location: 8q21.3.
Variant type: single nucleotide variant.
Coding change: c.2234+17C>T on transcript NM_002485.5 (MANE Select); 17 bases into the intron after coding-DNA position 2234, C replaced by T.
Molecular consequence: intron variant.
Genome position (GRCh38, 1-based): chr8:89,937,009, G>A on the plus strand (C>T on the coding strand, the complement: NBN is on the minus strand). VCF-style: chr8-89937009-G-A. GRCh37 (hg19) VCF-style: chr8-90949237-G-A.
Other names: c.1988+17C>T (NM_001024688.3).
Identifiers: ClinVar variation 393075 (VCV000393075.5), dbSNP rs1057524773, ClinGen allele CA16605420.